The following is an entry in ClinVar:

NM_001375524.1(TRRAP):c.2507A>G (p.Asn836Ser)

Gene: TRRAP (transformation/transcription domain associated protein; plus strand). Cytogenetic location: 7q22.1.
Variant type: single nucleotide variant.
Coding change: c.2507A>G on transcript NM_001375524.1 (MANE Select); coding-DNA position 2507, A replaced by G.
Protein change: p.Asn836Ser; replaces asparagine 836 with serine.
Molecular consequence: missense variant.
Genome position (GRCh38, 1-based): chr7:98,917,564, A>G. VCF-style: chr7-98917564-A-G. GRCh37 (hg19) VCF-style: chr7-98515187-A-G.
Other names: c.2507A>G, p.Asn836Ser (NM_001244580.2, NM_003496.4); short protein forms N836S.
Identifiers: ClinVar variation 3344317 (VCV003344317.1).

ClinVar aggregate classification (germline): Uncertain significance (0 of 4 stars; one submission).

Conditions:
TRRAP-related disorder. Also called: TRRAP-related condition.

gnomAD v4.1: 12 of 1,614,168 alleles (0.00074%); highest among the groups gnomAD compares: East Asian, 0.0022%; no homozygotes.

Submission:

PreventionGenetics, part of Exact Sciences
Classification: Uncertain significance for TRRAP-related condition. Last evaluated: 2024-07-15. Review status: no assertion criteria provided. Collection method: clinical testing. Allele origin: germline.
Comment: The TRRAP c.2507A>G variant is predicted to result in the amino acid substitution p.Asn836Ser. To our knowledge, this variant has not been reported in the literature. This variant is reported in 0.0054% of alleles in individuals of East Asian descent in gnomAD. At this time, the clinical significance of this variant is uncertain due to the absence of conclusive functional and genetic evidence.